The following is an entry in ClinVar:

NM_003742.4(ABCB11):c.3569C>A (p.Ala1190Glu)

Gene: ABCB11 (ATP binding cassette subfamily B member 11; minus strand). Cytogenetic location: 2q31.1.
Variant type: single nucleotide variant.
Coding change: c.3569C>A on transcript NM_003742.4 (MANE Select); coding-DNA position 3569, C replaced by A.
Protein change: p.Ala1190Glu; replaces alanine 1190 with glutamic acid.
Molecular consequence: missense variant.
Genome position (GRCh38, 1-based): chr2:168,927,205, G>T on the plus strand (C>A on the coding strand, the complement: ABCB11 is on the minus strand). VCF-style: chr2-168927205-G-T. GRCh37 (hg19) VCF-style: chr2-169783715-G-T.
Other names: short protein forms A1190E.
Identifiers: ClinVar variation 2651517 (VCV002651517.24), dbSNP rs2545236761, ClinGen allele CA349119387.

ClinVar aggregate classification (germline): Uncertain significance (1 of 4 stars; one submission).

Submission:

CeGaT Center for Human Genetics Tuebingen
Classification: Uncertain significance. Last evaluated: 2023-02-01. Review status: criteria provided, single submitter. Criteria: CeGaT Center For Human Genetics Tuebingen Variant Classification Criteria Version 2. Collection method: clinical testing. Allele origin: germline. Affected: yes. Observed: 1 variant allele.
Comment: ABCB11: PM2, BP4